The following is an entry in ClinVar:

ClinVar aggregate classification (germline): Uncertain significance (1 of 4 stars; one submission).

Conditions:
Asphyxiating thoracic dystrophy 5 (SRTD5). Also called: SHORT-RIB THORACIC DYSPLASIA 5 WITH OR WITHOUT POLYDACTYLY; SHORT-RIB THORACIC DYSPLASIA 5 WITHOUT POLYDACTYLY. Identifiers: Orphanet 474, MedGen C3280598, MONDO:0013717, OMIM 614376.
Senior-Loken syndrome 8 (SLSN8). Identifiers: Orphanet 3156, MedGen C4225376, MONDO:0014579, OMIM 616307.

Submission:

Labcorp Genetics (formerly Invitae), Labcorp
Classification: Uncertain significance for Senior-Loken syndrome 8; Asphyxiating thoracic dystrophy 5. Last evaluated: 2020-03-11. Review status: criteria provided, single submitter. Criteria: Invitae Variant Classification Sherloc (09022015). Collection method: clinical testing. Allele origin: germline.
Comment: This variant has not been reported in the literature in individuals with WDR19-related conditions. This variant is not present in population databases (ExAC no frequency). This sequence change replaces methionine with leucine at codon 1316 of the WDR19 protein (p.Met1316Leu). The methionine residue is highly conserved and there is a small physicochemical difference between methionine and leucine. In summary, the available evidence is currently insufficient to determine the role of this variant in disease. Therefore, it has been classified as a Variant of Uncertain Significance. Algorithms developed to predict the effect of missense changes on protein structure and function are either unavailable or do not agree on the potential impact of this missense change (SIFT: "Deleterious"; PolyPhen-2: "Possibly Damaging"; Align-GVGD: "Class C0").

NM_025132.4(WDR19):c.3946A>C (p.Met1316Leu)

Gene: WDR19 (WD repeat domain 19; plus strand). Cytogenetic location: 4p14.
Variant type: single nucleotide variant.
Coding change: c.3946A>C on transcript NM_025132.4 (MANE Select); coding-DNA position 3946, A replaced by C.
Protein change: p.Met1316Leu; replaces methionine 1316 with leucine.
Molecular consequence: missense variant.
Genome position (GRCh38, 1-based): chr4:39,278,567, A>C. VCF-style: chr4-39278567-A-C. GRCh37 (hg19) VCF-style: chr4-39280187-A-C.
Other names: c.3466A>C, p.Met1156Leu (NM_001317924.2); short protein forms M1156L, M1316L.
Identifiers: ClinVar variation 1022245 (VCV001022245.8), dbSNP rs1736144507, ClinGen allele CA356654181.
Genomic context (GRCh38, chr4:39,278,567, plus strand): 5'-TAATTTACTCTGCCTTTCCCTCCCCTAAACAGCATGCTAAACACTGAAAGCACATGTCCT[A>C]TGTGTTCAGAAAGATTAAACGCTGCTCAGCTGAAAAAGATTTCAGACTGTACCCAGTACC-3'
Protein context (NP_079408.3, residues 1306-1326): IMLNTESTCP[Met1316Leu]CSERLNAAQL